The following is an entry in ClinVar:

NM_001267550.2(TTN):c.96834G>A (p.Arg32278=)

Genes: TTN (titin; minus strand), TTN-AS1 (TTN antisense RNA 1; plus strand), LOC126806421 (CDK7 strongly-dependent group 2 enhancer GRCh37_chr2:179407630-179408829; plus strand). Cytogenetic location: 2q31.2.
Variant type: single nucleotide variant.
Coding change: c.96834G>A on transcript NM_001267550.2 (MANE Select); coding-DNA position 96834, G replaced by A.
Protein change: p.Arg32278=; no amino-acid change (arginine 32278 retained).
Molecular consequence: synonymous variant.
Genome position (GRCh38, 1-based): chr2:178,543,139, C>T on the plus strand (G>A on the coding strand, the complement: TTN is on the minus strand). VCF-style: chr2-178543139-C-T. GRCh37 (hg19) VCF-style: chr2-179407866-C-T.
Other names: c.91911G>A, p.Arg30637= (NM_001256850.1); c.69639G>A, p.Arg23213= (NM_003319.4); c.89130G>A, p.Arg29710= (NM_133378.4); c.70014G>A, p.Arg23338= (NM_133432.3); c.70215G>A, p.Arg23405= (NM_133437.4).
Identifiers: ClinVar variation 1083432 (VCV001083432.17), dbSNP rs558927011, ClinGen allele CA60969726.

ClinVar aggregate classification (germline): Likely benign. Review status: criteria provided, multiple submitters, no conflicts (2 of 4 stars). 3 submissions from 3 submitters: Likely benign (3). Last evaluated 2025-07-29.

Conditions:
Cardiovascular phenotype. Identifiers: MedGen CN230736.
Autosomal recessive limb-girdle muscular dystrophy type 2J (LGMDR10). Also called: Limb-girdle muscular dystrophy, type 2J; MUSCULAR DYSTROPHY, LIMB-GIRDLE, AUTOSOMAL RECESSIVE 10. Identifiers: Orphanet 140922, MedGen C1837342, MONDO:0012127, OMIM 608807.
Dilated cardiomyopathy 1G (CMD1G). Identifiers: Orphanet 154, MedGen C1858763, MONDO:0011400, OMIM 604145.

Allele frequency attached by ClinVar (database versions not stated): gnomAD 0.00001; TOPMed 0.00002.
gnomAD v4.1: 16 of 1,612,010 alleles (0.00099%); highest among the groups gnomAD compares: Non-Finnish European, 0.0014%; no homozygotes.

Submissions (3):

Labcorp Genetics (formerly Invitae), Labcorp
Classification: Likely benign for Dilated cardiomyopathy 1G; Autosomal recessive limb-girdle muscular dystrophy type 2J. Last evaluated: 2025-07-29. Review status: criteria provided, single submitter. Criteria: Invitae Variant Classification Sherloc (09022015). Collection method: clinical testing. Allele origin: germline.

CeGaT Center for Human Genetics Tuebingen
Classification: Likely benign. Last evaluated: 2025-03-01. Review status: criteria provided, single submitter. Criteria: CeGaT Center For Human Genetics Tuebingen Variant Classification Criteria Version 2. Collection method: clinical testing. Allele origin: germline. Affected: yes. Observed: 1 variant allele.
Comment: TTN: BP4, BP7

Ambry Genetics
Classification: Likely benign for Cardiovascular phenotype. Last evaluated: 2023-11-01. Review status: criteria provided, single submitter. Criteria: Ambry Variant Classification Scheme 2023. Collection method: clinical testing. Allele origin: germline.